The following is an entry in ClinVar:

NM_001267550.2(TTN):c.12904A>T (p.Lys4302Ter)

Gene: TTN (titin; minus strand). Cytogenetic location: 2q31.2.
Variant type: single nucleotide variant.
Coding change: c.12904A>T on transcript NM_001267550.2 (MANE Select); coding-DNA position 12904, A replaced by T.
Protein change: p.Lys4302Ter; replaces lysine 4302 with a stop codon.
Molecular consequence: nonsense. On other transcripts: intron variant (1).
Genome position (GRCh38, 1-based): chr2:178,740,329, T>A on the plus strand (A>T on the coding strand, the complement: TTN is on the minus strand). VCF-style: chr2-178740329-T-A. GRCh37 (hg19) VCF-style: chr2-179605056-T-A.
Other names: c.11953A>T, p.Lys3985Ter (NM_001256850.1); c.11815A>T, p.Lys3939Ter (NM_003319.4); c.12190A>T, p.Lys4064Ter (NM_133432.3); c.12391A>T, p.Lys4131Ter (NM_133437.4); c.10361-1969A>T (NM_133378.4); short protein forms K3939*, K3985*, K4064*, K4131*, K4302*.
Identifiers: ClinVar variation 4852171 (VCV004852171.1).

ClinVar aggregate classification (germline): Likely pathogenic (1 of 4 stars; one submission).

Conditions:
Autosomal recessive TTN-related disorders.

Submission:

Variantyx, Inc.
Classification: Likely pathogenic for Autosomal recessive TTN-related disorders. Last evaluated: 2025-06-04. Review status: criteria provided, single submitter. Criteria: Variantyx Assertion Criteria 2022. Collection method: clinical testing. Allele origin: germline. Inheritance: Autosomal dominant inheritance. Affected: yes.
Comment: This is an intronic variant in the TTN gene (OMIM: 188840). Pathogenic variants in this gene have been associated with autosomal recessive TTN-related disorders. This splicing variant is expected to result in loss of function, which is a known disease mechanism for TTN in this disorder (PMID: 23975875, 26084686, 23418287, 16733766, 22335739) (PVS1). Algorithms that predict the potential impact of sequence variants on RNA splicing suggest that this variant has conflicting evidence regarding the effect on splicing. This variant has not been reported in individuals with TTN-related disorders in the databases available for review, and it is absent from control populations (PM2). Based on the current evidence, this variant is classified as likely pathogenic for autosomal recessive TTN-related disorders.

Literature cited by the submitters: PubMed 23975875; PubMed 26084686; PubMed 23418287; PubMed 16733766; PubMed 22335739.